The following is an entry in ClinVar:

NM_001567.4(INPPL1):c.449T>C (p.Ile150Thr)

Gene: INPPL1 (inositol polyphosphate phosphatase like 1; plus strand). Cytogenetic location: 11q13.4.
Variant type: single nucleotide variant.
Coding change: c.449T>C on transcript NM_001567.4 (MANE Select); coding-DNA position 449, T replaced by C.
Protein change: p.Ile150Thr; replaces isoleucine 150 with threonine.
Molecular consequence: missense variant.
Genome position (GRCh38, 1-based): chr11:72,228,778, T>C. VCF-style: chr11-72228778-T-C. GRCh37 (hg19) VCF-style: chr11-71939822-T-C.
Other names: short protein forms I150T.
Identifiers: ClinVar variation 1950241 (VCV001950241.5), dbSNP rs1273555581, ClinGen allele CA381718651.

ClinVar aggregate classification (germline): Uncertain significance (1 of 4 stars; one submission).

Allele frequency attached by ClinVar (database versions not stated): gnomAD exomes below 0.00001; TOPMed below 0.00001.
gnomAD v4.1: 2 of 1,612,552 alleles (0.00012%); highest among the groups gnomAD compares: Admixed American, 0.0017%; no homozygotes.

Submission:

Labcorp Genetics (formerly Invitae), Labcorp
Classification: Uncertain significance. Last evaluated: 2022-05-13. Review status: criteria provided, single submitter. Criteria: Invitae Variant Classification Sherloc (09022015). Collection method: clinical testing. Allele origin: germline.
Comment: Algorithms developed to predict the effect of missense changes on protein structure and function (SIFT, PolyPhen-2, Align-GVGD) all suggest that this variant is likely to be tolerated. In summary, the available evidence is currently insufficient to determine the role of this variant in disease. Therefore, it has been classified as a Variant of Uncertain Significance. This variant has not been reported in the literature in individuals affected with INPPL1-related conditions. This variant is present in population databases (no rsID available, gnomAD 0.003%). This sequence change replaces isoleucine, which is neutral and non-polar, with threonine, which is neutral and polar, at codon 150 of the INPPL1 protein (p.Ile150Thr).